The following is an entry in ClinVar:

ClinVar aggregate classification (germline): Likely pathogenic. Review status: criteria provided, multiple submitters, no conflicts (2 of 4 stars). 3 submissions from 3 submitters: Likely pathogenic (3). Last evaluated 2025-05-16.

Conditions:
Autosomal recessive nonsyndromic hearing loss 1A (DFNB1A). Also called: GJB6-Related DFNB 1 Nonsyndromic Hearing Loss and Deafness; Deafness, autosomal recessive 1A; Connexin 26 deafness; Deafness nonsyndromic, Connexin 26 linked; Nonsyndromic Hearing Loss and Deafness, DFNB1; GJB2-Related Autosomal Recessive Nonsyndromic Hearing Loss. Identifiers: Orphanet 90636, MedGen C2673759, MONDO:0009076, OMIM 220290.

Submissions (3):

GeneDx
Classification: Likely pathogenic. Last evaluated: 2025-05-16. Review status: criteria provided, single submitter. Criteria: GeneDx Variant Classification Process June 2021. Collection method: clinical testing. Allele origin: germline. Affected: yes.
Comment: In silico analysis supports that this missense variant has a deleterious effect on protein structure/function; Not observed at significant frequency in large population cohorts (gnomAD); This variant is associated with the following publications: (PMID: 34426522, 36048236, 25388846, 15855033)

Victorian Clinical Genetics Services, Murdoch Childrens Research Institute
Classification: Likely pathogenic for Autosomal recessive nonsyndromic hearing loss 1A. Last evaluated: 2023-07-17. Review status: criteria provided, single submitter. Criteria: ACMG Guidelines, 2015. Collection method: clinical testing. Allele origin: germline. Inheritance: Autosomal recessive inheritance. Affected: yes.
Comment: Based on the classification scheme VCGS_Germline_v1.3.4, this variant is classified as Likely Pathogenic. Following criteria are met: 0102 - Loss of function is a known mechanism of disease in this gene and is associated with both deafness and skin conditions (OMIM). Dominant negative is also a suggested mechanism (PMID: 28428247). (I) 0108 - This gene is associated with both recessive and dominant disease. The autosomal dominant diseases are commonly associated with pathogenic missense variants. The autosomal recessive disease is associated with bi-allelic loss-of-function variants and includes missense and protein truncating variants (NIH Genetics Home Reference, PMID: 12792423). (I) 0112 - The condition associated with this gene has incomplete penetrance (PMID:31160754). (I) 0115 - Variants in this gene are known to have variable expressivity. Severity can range from mild to profound with intrafamilial variability also commonly seen. Commonly, truncating variants are associated to a more severe hearing loss (PMID: 20301449). (I) 0200 - Variant is predicted to result in a missense amino acid change from proline to serine. (I) 0251 - This variant is heterozygous. (I) 0301 - Variant is absent from gnomAD (both v2 and v3). (SP) 0501 - Missense variant consistently predicted to be damaging by multiple in silico tools or highly conserved with a major amino acid change. (SP) 0600 - Variant is located in the annotated connexin domain (DECIPHER). (I) 0704 - Another missense variant comparable to the one identified in this case has limited previous evidence for pathogenicity. p.(Pro173Arg) was identified in an individual with profound sensorineural prelingual non-syndromic deafness with another pathogenic variant (PMID:10982180, PMID: 12189493). Another comparable variant has been classified as a VUS (ClinVar). (SP) 0803 - This variant has limited previous evidence of pathogenicity in unrelated individuals. This variant was identified in two siblings with hearing loss, in trans with another pathogenic variant (PMID: 15855033, PMID: 29062245). (SP) 0905 - No published segregation evidence has been identified for this variant. (I) 1007 - No published functional evidence has been identified for this variant. (I) 1208 - Inheritance information for this variant is not currently available in this individual. (I) Legend: (SP) - Supporting pathogenic, (I) - Information, (SB) - Supporting benign

Labcorp Genetics (formerly Invitae), Labcorp
Classification: Likely pathogenic. Last evaluated: 2020-08-20. Review status: criteria provided, single submitter. Criteria: Invitae Variant Classification Sherloc (09022015). Collection method: clinical testing. Allele origin: germline.
Comment: This variant disrupts the p.Pro173 amino acid residue in GJB2. Another variant that disrupts this residue has been observed in individuals with GJB2-related conditions (PMID: 10982180), which suggests that this may be a clinically significant amino acid residue. In summary, the currently available evidence indicates that the variant is pathogenic, but additional data are needed to prove that conclusively. Therefore, this variant has been classified as Likely Pathogenic. Algorithms developed to predict the effect of missense changes on protein structure and function (SIFT, PolyPhen-2, Align-GVGD) all suggest that this variant is likely to be disruptive, but these predictions have not been confirmed by published functional studies and their clinical significance is uncertain. This variant has been observed to segregate with GJB2-related conditions in a family (PMID: 15855033). This variant is not present in population databases (ExAC no frequency). This sequence change replaces proline with serine at codon 173 of the GJB2 protein (p.Pro173Ser). The proline residue is highly conserved and there is a moderate physicochemical difference between proline and serine.

Literature cited by the submitters: PubMed 10982180 (cited by Victorian Clinical Genetics Services, Murdoch Childrens Research Institute and Labcorp Genetics (formerly Invitae), Labcorp); PubMed 12189493 (cited by Victorian Clinical Genetics Services, Murdoch Childrens Research Institute); PubMed 12792423 (cited by Victorian Clinical Genetics Services, Murdoch Childrens Research Institute); PubMed 15855033 (cited by Victorian Clinical Genetics Services, Murdoch Childrens Research Institute and Labcorp Genetics (formerly Invitae), Labcorp); PubMed 20301449 (cited by Victorian Clinical Genetics Services, Murdoch Childrens Research Institute); PubMed 28428247 (cited by Victorian Clinical Genetics Services, Murdoch Childrens Research Institute); PubMed 29062245 (cited by Victorian Clinical Genetics Services, Murdoch Childrens Research Institute); PubMed 31160754 (cited by Victorian Clinical Genetics Services, Murdoch Childrens Research Institute).

NM_004004.6(GJB2):c.517C>T (p.Pro173Ser)

Gene: GJB2 (gap junction protein beta 2; minus strand). Cytogenetic location: 13q12.11.
Variant type: single nucleotide variant.
Coding change: c.517C>T on transcript NM_004004.6 (MANE Select); coding-DNA position 517, C replaced by T.
Protein change: p.Pro173Ser; replaces proline 173 with serine.
Molecular consequence: missense variant.
Genome position (GRCh38, 1-based): chr13:20,189,065, G>A on the plus strand (C>T on the coding strand, the complement: GJB2 is on the minus strand). VCF-style: chr13-20189065-G-A. GRCh37 (hg19) VCF-style: chr13-20763204-G-A.
Other names: short protein forms P173S.
Identifiers: ClinVar variation 842349 (VCV000842349.11), dbSNP rs1959056736, ClinGen allele CA387460986.
Genomic context (GRCh38, chr13:20,189,065, plus strand): 5'-CTGTGAAGACAGTCTTCTCCGTGGGCCGGGACACAAAGCAGTCCACAGTGTTGGGACAAG[G>A]CCAGGCGTTGCACTTCACCAGCCGCTGCATGGAGAAGCCGTCGTACATGACATAGAAGAC-3'
Protein context (NP_003995.2, residues 163-183): MQRLVKCNAW[Pro173Ser]CPNTVDCFVS